The following is an entry in ClinVar:

ClinVar aggregate classification (germline): Uncertain significance (1 of 4 stars; one submission).

Conditions:
Hereditary cancer-predisposing syndrome. Also called: Tumor predisposition; Neoplastic Syndromes, Hereditary; Hereditary neoplastic syndrome; Hereditary Cancer Syndrome. Identifiers: Orphanet 140162, MedGen C0027672, MeSH D009386, MONDO:0015356.

gnomAD v4.1: 1 of 1,614,218 alleles (0.000062%); no homozygotes.

Submission:

Ambry Genetics
Classification: Uncertain significance for Hereditary cancer-predisposing syndrome. Last evaluated: 2024-09-30. Review status: criteria provided, single submitter. Criteria: Ambry Variant Classification Scheme 2023. Collection method: clinical testing. Allele origin: germline.
Comment: The p.K147E variant (also known as c.439A>G), located in coding exon 4 of the SDHAF2 gene, results from an A to G substitution at nucleotide position 439. The lysine at codon 147 is replaced by glutamic acid, an amino acid with similar properties. This amino acid position is conserved. In addition, this alteration is predicted to be tolerated by in silico analysis. Based on the available evidence, the clinical significance of this variant remains unclear.

NM_017841.4(SDHAF2):c.439A>G (p.Lys147Glu)

Gene: SDHAF2 (succinate dehydrogenase complex assembly factor 2; plus strand). Cytogenetic location: 11q12.2.
Variant type: single nucleotide variant.
Coding change: c.439A>G on transcript NM_017841.4 (MANE Select); coding-DNA position 439, A replaced by G.
Protein change: p.Lys147Glu; replaces lysine 147 with glutamic acid.
Molecular consequence: missense variant.
Genome position (GRCh38, 1-based): chr11:61,446,009, A>G. VCF-style: chr11-61446009-A-G. GRCh37 (hg19) VCF-style: chr11-61213481-A-G.
Other names: short protein forms K147E.
Identifiers: ClinVar variation 3438737 (VCV003438737.1).